The following is an entry in ClinVar:

ClinVar aggregate classification (germline): Likely benign. Review status: criteria provided, multiple submitters, no conflicts (2 of 4 stars). 3 submissions from 3 submitters: Likely benign (3). Last evaluated 2026-02-03.

Conditions:
Developmental and epileptic encephalopathy, 42 (DEE42A). Also called: DEVELOPMENTAL AND EPILEPTIC ENCEPHALOPATHY 42A; EPILEPTIC ENCEPHALOPATHY, EARLY INFANTILE, 42A; Epileptic encephalopathy, early infantile, 42. Identifiers: MedGen C4310716, MONDO:0014917, OMIM 617106.
Episodic ataxia type 2 (EA2). Also called: ATAXIA, EPISODIC, WITH NYSTAGMUS; ATAXIA, FAMILIAL PAROXYSMAL; CEREBELLAR ATAXIA, PAROXYSMAL, ACETAZOLAMIDE-RESPONSIVE; CEREBELLOPATHY, HEREDITARY PAROXYSMAL; ACETAZOLAMIDE-RESPONSIVE HEREDITARY PAROXYSMAL CEREBELLAR ATAXIA; EPISODIC ATAXIA, NYSTAGMUS-ASSOCIATED. Identifiers: Orphanet 97, MedGen C1720416, MONDO:0007163, OMIM 108500.
Inborn genetic diseases. Identifiers: MedGen C0950123, MeSH D030342.

Allele frequency attached by ClinVar (database versions not stated): TOPMed below 0.00001; gnomAD 0.00001.
gnomAD v4.1: 12 of 1,613,894 alleles (0.00074%); highest among the groups gnomAD compares: Admixed American, 0.018%; no homozygotes.

Submissions (3):

Labcorp Genetics (formerly Invitae), Labcorp
Classification: Likely benign for Developmental and epileptic encephalopathy, 42; Episodic ataxia type 2. Last evaluated: 2026-02-03. Review status: criteria provided, single submitter. Criteria: Invitae Variant Classification Sherloc (09022015). Collection method: clinical testing. Allele origin: germline.

Mayo Clinic Laboratories, Mayo Clinic
Classification: Likely benign. Last evaluated: 2025-07-19. Review status: criteria provided, single submitter. Criteria: ACMG Guidelines, 2015. Collection method: clinical testing. Allele origin: germline. Observed: 2 variant alleles.
Comment: BS2, BP4, BP7

Ambry Genetics
Classification: Likely benign for Inborn genetic diseases. Last evaluated: 2017-09-26. Review status: criteria provided, single submitter. Criteria: Ambry Variant Classification Scheme 2023. Collection method: clinical testing. Allele origin: germline.

NM_001127222.2(CACNA1A):c.3724C>T (p.Leu1242=)

Gene: CACNA1A (calcium voltage-gated channel subunit alpha1 A; minus strand). Cytogenetic location: 19p13.13.
Variant type: single nucleotide variant.
Coding change: c.3724C>T on transcript NM_001127222.2 (MANE Select); coding-DNA position 3724, C replaced by T.
Protein change: p.Leu1242=; no amino-acid change (leucine 1242 retained).
Molecular consequence: synonymous variant.
Genome position (GRCh38, 1-based): chr19:13,283,365, G>A on the plus strand (C>T on the coding strand, the complement: CACNA1A is on the minus strand). VCF-style: chr19-13283365-G-A. GRCh37 (hg19) VCF-style: chr19-13394179-G-A.
Other names: p.Leu1243=; c.3736C>T, p.Leu1246= (NM_000068.4, NM_023035.3); c.3727C>T, p.Leu1243= (NM_001127221.2, NM_001174080.2).
Identifiers: ClinVar variation 1131440 (VCV001131440.12), dbSNP rs1275961783, ClinGen allele CA505660525.
Genomic context (GRCh38, chr19:13,283,365, plus strand): 5'-CGGCCAGGGCGATGCTGCTCATGGCAATGACCATGAGGATGCACATCTCAAAGTAGCGCA[G>A]GTTCAGGATGTAATGGCACAGGCGGCGAAGGCTGTTGGAGACAGATGGGCGTGCAGAGGT-3'
Protein context (NP_001120694.1, residues 1232-1252): LRRLCHYILN[Leu1242=]RYFEMCILMV